The following is an entry in ClinVar:

ClinVar aggregate classification (germline): Uncertain significance (1 of 4 stars; one submission).

Conditions:
FHOD3-related disorder. Also called: FHOD3-related condition.

gnomAD v4.1: 97 of 1,604,486 alleles (0.006%); highest among the groups gnomAD compares: East Asian, 0.011%; no homozygotes.

Submission:

PreventionGenetics, part of Exact Sciences
Classification: Uncertain significance for FHOD3-related condition. Last evaluated: 2026-02-11. Review status: criteria provided, single submitter. Criteria: ACMG Guidelines, 2015. Collection method: clinical testing. Allele origin: germline.
Comment: The FHOD3 c.358G>A variant is predicted to result in the amino acid substitution p.Gly120Arg. To our knowledge, this variant has not been reported in the literature. This variant is reported in 0.0042% of alleles in individuals of African descent in gnomAD. At this time, the clinical significance of this variant is uncertain due to the absence of conclusive functional and genetic evidence.

NM_001281740.3(FHOD3):c.358G>A (p.Gly120Arg)

Gene: FHOD3 (formin homology 2 domain containing 3; plus strand). Cytogenetic location: 18q12.2.
Variant type: single nucleotide variant.
Coding change: c.358G>A on transcript NM_001281740.3 (MANE Select); coding-DNA position 358, G replaced by A.
Protein change: p.Gly120Arg; replaces glycine 120 with arginine.
Molecular consequence: missense variant.
Genome position (GRCh38, 1-based): chr18:36,501,952, G>A. VCF-style: chr18-36501952-G-A. GRCh37 (hg19) VCF-style: chr18-34081915-G-A.
Other names: c.358G>A, p.Gly120Arg (NM_001281739.3, NM_025135.5); short protein forms G120R.
Identifiers: ClinVar variation 4979839 (VCV004979839.1).